The following is an entry in ClinVar:

NM_000053.4(ATP7B):c.2336G>T (p.Trp779Leu)

Gene: ATP7B (ATPase copper transporting beta; minus strand). Cytogenetic location: 13q14.3.
Variant type: single nucleotide variant.
Coding change: c.2336G>T on transcript NM_000053.4 (MANE Select); coding-DNA position 2336, G replaced by T.
Protein change: p.Trp779Leu; replaces tryptophan 779 with leucine.
Molecular consequence: missense variant. On other transcripts: intron variant (14).
Genome position (GRCh38, 1-based): chr13:51,958,330, C>A on the plus strand (G>T on the coding strand, the complement: ATP7B is on the minus strand). VCF-style: chr13-51958330-C-A. GRCh37 (hg19) VCF-style: chr13-52532466-C-A.
Other names: c.2003G>T, p.Trp668Leu (NM_001243182.2); c.2084G>T, p.Trp695Leu (NM_001330579.2, NM_001406531.1, NM_001406532.1 and 1 more transcripts); c.2336G>T, p.Trp779Leu (NM_001406511.1, NM_001406512.1, NM_001406513.1 and 7 more transcripts); c.2303G>T, p.Trp768Leu (NM_001406514.1); c.2240G>T, p.Trp747Leu (NM_001406517.1, NM_001406518.1); c.2192G>T, p.Trp731Leu (NM_001406520.1, NM_001406521.1, NM_001406522.1 and 1 more transcripts); c.2159G>T, p.Trp720Leu (NM_001406524.1); c.2096G>T, p.Trp699Leu (NM_001406530.1); and 8 more; short protein forms W636L, W663L, W668L, W695L, W699L, W720L, W731L, W747L.
Identifiers: ClinVar variation 3366385 (VCV003366385.1).

ClinVar aggregate classification (germline): Uncertain significance (1 of 4 stars; one submission).

gnomAD v4.1: 2 of 1,614,160 alleles (0.00012%); no homozygotes.

Submission:

Women's Health and Genetics/Laboratory Corporation of America, LabCorp
Classification: Uncertain significance. Last evaluated: 2024-08-08. Review status: criteria provided, single submitter. Criteria: LabCorp Variant Classification Summary - May 2015. Collection method: clinical testing. Allele origin: germline.
Comment: Variant summary: ATP7B c.2336G>T (p.Trp779Leu) results in a non-conservative amino acid change in the encoded protein sequence. Five of five in-silico tools predict a damaging effect of the variant on protein function. The variant was absent in 249424 control chromosomes. The available data on variant occurrences in the general population are insufficient to allow any conclusion about variant significance. To our knowledge, no occurrence of c.2336G>T in individuals affected with Wilson Disease and no experimental evidence demonstrating its impact on protein function have been reported. No submitters have cited clinical-significance assessments for this variant to ClinVar. Based on the evidence outlined above, the variant was classified as uncertain significance.